The following is an entry in ClinVar:

ClinVar aggregate classification (germline): Likely benign (1 of 4 stars; one submission).

Allele frequency attached by ClinVar (database versions not stated): TOPMed below 0.00001.
gnomAD v4.1: 1 of 1,590,738 alleles (0.000063%); highest among the groups gnomAD compares: Non-Finnish European, 0.000086%; no homozygotes.

Submission:

CeGaT Center for Human Genetics Tuebingen
Classification: Likely benign. Last evaluated: 2024-07-01. Review status: criteria provided, single submitter. Criteria: CeGaT Center For Human Genetics Tuebingen Variant Classification Criteria Version 2. Collection method: clinical testing. Allele origin: germline. Affected: yes. Observed: 1 variant allele.
Comment: KMT2B: BP4, BP7

NM_014727.3(KMT2B):c.1035A>G (p.Gly345=)

Gene: KMT2B (lysine methyltransferase 2B; plus strand). Cytogenetic location: 19q13.12.
Variant type: single nucleotide variant.
Coding change: c.1035A>G on transcript NM_014727.3 (MANE Select); coding-DNA position 1035, A replaced by G.
Protein change: p.Gly345=; no amino-acid change (glycine 345 retained).
Molecular consequence: synonymous variant.
Genome position (GRCh38, 1-based): chr19:35,720,382, A>G. VCF-style: chr19-35720382-A-G. GRCh37 (hg19) VCF-style: chr19-36211284-A-G.
Identifiers: ClinVar variation 3250949 (VCV003250949.18), dbSNP rs774323823.
Genomic context (GRCh38, chr19:35,720,382, plus strand): 5'-AGGTCAAGGTCAAGGTCAACATGAGGAAAGTTGGCAGGATGTCCCCCAAAGAAGAGTTGG[A>G]TCTGGACAGGGAGGGAGCCCTTGCTGGAAAAAGCAGGAACAGAAGCTGGATGACGAGGAA-3'
Protein context (NP_055542.1, residues 335-355): SWQDVPQRRV[Gly345=]SGQGGSPCWK